The following is an entry in ClinVar:

NM_001558.4(IL10RA):c.464A>G (p.Asp155Gly)

Gene: IL10RA (interleukin 10 receptor subunit alpha; plus strand). Cytogenetic location: 11q23.3.
Variant type: single nucleotide variant.
Coding change: c.464A>G on transcript NM_001558.4 (MANE Select); coding-DNA position 464, A replaced by G.
Protein change: p.Asp155Gly; replaces aspartic acid 155 with glycine.
Molecular consequence: missense variant. On other transcripts: non-coding transcript variant (1).
Genome position (GRCh38, 1-based): chr11:117,993,337, A>G. VCF-style: chr11-117993337-A-G. GRCh37 (hg19) VCF-style: chr11-117864052-A-G.
Other names: short protein forms D155G.
Identifiers: ClinVar variation 2801936 (VCV002801936.3), dbSNP rs2496780717, ClinGen allele CA382774622.

ClinVar aggregate classification (germline): Uncertain significance (1 of 4 stars; one submission).

Conditions:
Inflammatory bowel disease 28. Also called: Inflammatory bowel disease 28, early onset, autosomal recessive. Identifiers: Orphanet 238569, MedGen C2751053, MONDO:0013153, OMIM 613148.

Submission:

Labcorp Genetics (formerly Invitae), Labcorp
Classification: Uncertain significance for Inflammatory bowel disease 28. Last evaluated: 2023-12-06. Review status: criteria provided, single submitter. Criteria: Invitae Variant Classification Sherloc (09022015). Collection method: clinical testing. Allele origin: germline.
Comment: This sequence change replaces aspartic acid, which is acidic and polar, with glycine, which is neutral and non-polar, at codon 155 of the IL10RA protein (p.Asp155Gly). This variant is not present in population databases (gnomAD no frequency). This variant has not been reported in the literature in individuals affected with IL10RA-related conditions. Advanced modeling of protein sequence and biophysical properties (such as structural, functional, and spatial information, amino acid conservation, physicochemical variation, residue mobility, and thermodynamic stability) has been performed at Invitae for this missense variant, however the output from this modeling did not meet the statistical confidence thresholds required to predict the impact of this variant on IL10RA protein function. In summary, the available evidence is currently insufficient to determine the role of this variant in disease. Therefore, it has been classified as a Variant of Uncertain Significance.